The following is an entry in ClinVar:

ClinVar aggregate classification (germline): Pathogenic (1 of 4 stars; one submission).

Conditions:
Autosomal dominant nonsyndromic hearing loss 15 (DFNA15). Also called: DEAFNESS, AUTOSOMAL DOMINANT 52; Autosomal dominant nonsyndromic hearing loss 52. Identifiers: Orphanet 90635, MedGen C1865366, MONDO:0011226, OMIM 602459.

Submission:

King Laboratory, University of Washington
Classification: Pathogenic for Autosomal dominant nonsyndromic hearing loss 15. Last evaluated: 2020-08-01. Review status: criteria provided, single submitter. Criteria: Abu Rayyan A et al. (Proc Natl Acad Sci U S A 2020). Collection method: research. Allele origin: germline. Affected: yes.
Comment: POU4F3 c.54delA leads to a stop at codon 84. The variant is absent from 1300 Palestinian controls and absent from gnomAD v2.1.1.

NM_002700.3(POU4F3):c.54del (p.Glu18fs)

Genes: RBM27-POU4F3 (RBM27-POU4F3 readthrough; plus strand), POU4F3 (POU class 4 homeobox 3; plus strand). Cytogenetic location: 5q32.
Variant type: Deletion.
Coding change: c.54del on transcript NM_002700.3 (MANE Select); coding-DNA position 54, one base deleted (A; older notation c.54delA).
Protein change: p.Glu18fs; shifts the reading frame from glutamic acid 18.
Molecular consequence: frameshift variant.
Genome position (GRCh38, 1-based): chr5:146,339,166, A deleted; the last of 2 consecutive A bases (chr5:146,339,165-146,339,166); deleting either gives the same sequence. VCF-style (leftmost placement, unchanged base first): chr5-146339164-GA-G. GRCh37 (hg19) VCF-style: chr5-145718727-GA-G.
Other names: NM_002700.2:c.54delA; short protein forms E18fs.
Identifiers: ClinVar variation 1334107 (VCV001334107.2), dbSNP rs2126960889, ClinGen allele CA2573052446.
Genomic context (GRCh38, chr5:146,339,164, plus strand): 5'-AGCGCGAAGATGATGGCCATGAACTCCAAGCAGCCTTTCGGCATGCACCCGGTGCTGCAA[GA>G]ACCCAAATTCTCCAGTCTGCACTCTGGCTCCGAGGCCATGCGCCGAGTCTGTCTCCCAGC-3'